The following is an entry in ClinVar:

NM_005141.4(FGB):c.1433G>A (p.Arg478Lys)

Gene: FGB (fibrinogen beta chain; plus strand). Cytogenetic location: 4q31.3.
Variant type: single nucleotide variant.
Coding change: c.1433G>A on transcript NM_005141.4; coding-DNA position 1433, G replaced by A.
Protein change: p.Arg478Lys; replaces arginine 478 with lysine.
Molecular consequence: missense variant (on NM_005141.5). On other transcripts: 3 prime UTR variant (2), intron variant (1).
Genome position (GRCh38, 1-based): chr4:154,570,607, G>A. VCF-style: chr4-154570607-G-A. GRCh37 (hg19) VCF-style: chr4-155491759-G-A.
Other names: R448K; c.1256G>A, p.Arg419Lys (NM_001184741.1); c.1301G>A, p.Arg434Lys (NM_001382759.1); c.*98G>A (NM_001382761.1); c.1133G>A, p.Arg378Lys (NM_001382762.1); c.1424G>A, p.Arg475Lys (NM_001382763.1); c.*207G>A (NM_001382764.1); c.1409G>A, p.Arg470Lys (NM_001382765.1); and 2 more; short protein forms R478K, R419K, R378K, R434K, R470K, R475K.
Identifiers: ClinVar variation 16384 (VCV000016384.16), dbSNP rs4220, ClinGen allele CA126434.

ClinVar aggregate classification (germline): Benign/Likely benign. Review status: criteria provided, multiple submitters, no conflicts (2 of 4 stars). 9 submissions from 9 submitters: Benign (7); Likely benign (1). 1 of the submissions does not count toward it. Last evaluated 2026-05-11.

Conditions:
FIBRINOGEN BALTIMORE 2.
Congenital afibrinogenemia. Identifiers: Orphanet 335, Orphanet 98880, MedGen C2584774, MONDO:0008737, OMIM 202400.

Allele frequency attached by ClinVar (database versions not stated): gnomAD exomes 0.17117 and 0.17195; ExAC 0.17323; gnomAD 0.15295 and 0.15379; 1000 Genomes Project 30x 0.14913; TOPMed 0.15297; 1000 Genomes Project 0.15335.
gnomAD v4.1: 274,993 of 1,613,606 alleles (17%); highest among the groups gnomAD compares: Middle Eastern, 21%; 24,434 homozygotes.

Submissions (9):

Women's Health and Genetics/Laboratory Corporation of America, LabCorp
Classification: Likely benign. Last evaluated: 2026-05-11. Review status: criteria provided, single submitter. Criteria: LabCorp Variant Classification Summary - May 2015. Collection method: clinical testing. Allele origin: germline.

Labcorp Genetics (formerly Invitae), Labcorp
Classification: Benign. Last evaluated: 2026-02-03. Review status: criteria provided, single submitter. Criteria: Invitae Variant Classification Sherloc (09022015). Collection method: clinical testing. Allele origin: germline.

Mayo Clinic Laboratories, Mayo Clinic
Classification: Benign. Last evaluated: 2025-03-04. Review status: criteria provided, single submitter. Criteria: ACMG Guidelines, 2015. Collection method: clinical testing. Allele origin: germline. Observed: 113 variant alleles.
Comment: BA1, BS2

Genome-Nilou Lab
Classification: Benign for Congenital afibrinogenemia. Last evaluated: 2021-08-10. Review status: criteria provided, single submitter. Criteria: ACMG Guidelines, 2015. Collection method: clinical testing. Allele origin: germline. Affected: no.

GeneDx
Classification: Benign. Last evaluated: 2018-11-12. Review status: criteria provided, single submitter. Criteria: GeneDx Variant Classification Process June 2021. Collection method: clinical testing. Allele origin: germline. Affected: yes.
Comment: This variant is associated with the following publications: (PMID: 20135074, 17925485, 27929198)

Illumina Laboratory Services, Illumina
Classification: Benign for Congenital afibrinogenemia. Last evaluated: 2018-03-06. Review status: criteria provided, single submitter. Criteria: ICSL Variant Classification Criteria 13 December 2019. Collection method: clinical testing. Allele origin: germline.
Comment: This variant was observed in the ICSL laboratory as part of a predisposition screen in an ostensibly healthy population. It had not been previously curated by ICSL or reported in the Human Gene Mutation Database (HGMD: prior to June 1st, 2018), and was therefore a candidate for classification through an automated scoring system. Utilizing variant allele frequency, disease prevalence and penetrance estimates, and inheritance mode, an automated score was calculated to assess if this variant is too frequent to cause the disease. Based on the score and internal cut-off values, a variant classified as benign is not then subjected to further curation. The score for this variant resulted in a classification of benign for this disease.

Breakthrough Genomics
Classification: Benign. Review status: criteria provided, single submitter. Criteria: ACMG Guidelines, 2015. Collection method: not provided. Allele origin: germline. Inheritance: Autosomal recessive inheritance. Affected: yes.

PreventionGenetics, part of Exact Sciences
Classification: Benign. Review status: criteria provided, single submitter. Criteria: ACMG Guidelines, 2015. Collection method: clinical testing. Allele origin: germline.

OMIM
Classification: other for FIBRINOGEN BALTIMORE 2. Last evaluated: 2011-10-11. Review status: no assertion criteria provided. Collection method: literature only. Allele origin: germline. Not counted in ClinVar's aggregate classification.

Literature cited by the submitters: PubMed 37762110 (cited by Mayo Clinic Laboratories, Mayo Clinic); PubMed 37832789 (cited by Mayo Clinic Laboratories, Mayo Clinic); PubMed 3194892 (cited by OMIM).